The following is an entry in ClinVar:

NM_001035.3(RYR2):c.7116-1G>A

Gene: RYR2 (ryanodine receptor 2; plus strand). Cytogenetic location: 1q43.
Variant type: single nucleotide variant.
Coding change: c.7116-1G>A on transcript NM_001035.3 (MANE Select); the canonical splice acceptor site of the intron before coding-DNA position 7116, G replaced by A.
Molecular consequence: splice acceptor variant.
Genome position (GRCh38, 1-based): chr1:237,640,896, G>A. VCF-style: chr1-237640896-G-A. GRCh37 (hg19) VCF-style: chr1-237804196-G-A.
Identifiers: ClinVar variation 1332079 (VCV001332079.2), dbSNP rs2148738153, ClinGen allele CA345396492.

ClinVar aggregate classification (germline): Uncertain significance (1 of 4 stars; one submission).

Conditions:
Cardiomyopathy (CMYO). Also called: Cardiomyopathies. Identifiers: Orphanet 167848, MedGen C0878544, MONDO:0004994, HP:0001638. Inheritance: Various modes of inheritance.

Submission:

Color Diagnostics, LLC DBA Color Health
Classification: Uncertain significance for Cardiomyopathy. Last evaluated: 2021-03-02. Review status: criteria provided, single submitter. Criteria: ACMG Guidelines, 2015. Collection method: clinical testing. Allele origin: germline.
Comment: This variant causes a G to A nucleotide substitution at the -1 position of intron 46 of the RYR2 gene. Splice prediction tools suggest that this variant may disrupt RNA splicing. To our knowledge, functional studies have not been reported for this variant. This variant has not been reported in individuals affected with cardiovascular disorders in the literature. This variant has not been identified in the general population by the Genome Aggregation Database (gnomAD). Clinical relevance of loss-of-function truncation and splice variants in the RYR2 gene is not clearly established. The available evidence is insufficient to determine the role of this variant in disease conclusively. Therefore, this variant is classified as a Variant of Uncertain Significance.